The following is an entry in ClinVar:

ClinVar aggregate classification (germline): Likely benign. Review status: criteria provided, multiple submitters, no conflicts (2 of 4 stars). 2 submissions from 2 submitters: Likely benign (2). Last evaluated 2025-12-23.

Conditions:
CYP7B1-related disorder. Also called: CYP7B1-related condition.
Spastic paraplegia. Identifiers: MedGen C0037772, HP:0001258.

Allele frequency attached by ClinVar (database versions not stated): gnomAD 0.00003; ExAC 0.00004; TOPMed 0.00007; 1000 Genomes Project 0.00020; 1000 Genomes Project 30x 0.00031.
gnomAD v4.1: 41 of 1,613,998 alleles (0.0025%); highest among the groups gnomAD compares: African/African-American, 0.0093%; no homozygotes.

Submissions (2):

Labcorp Genetics (formerly Invitae), Labcorp
Classification: Likely benign for Spastic paraplegia. Last evaluated: 2025-12-23. Review status: criteria provided, single submitter. Criteria: Invitae Variant Classification Sherloc (09022015). Collection method: clinical testing. Allele origin: germline.

PreventionGenetics, part of Exact Sciences
Classification: Likely benign for CYP7B1-related condition. Last evaluated: 2024-12-16. Review status: criteria provided, single submitter. Criteria: ACMG Guidelines, 2015. Collection method: clinical testing. Allele origin: germline.
Comment: This variant is classified as likely benign based on ACMG/AMP sequence variant interpretation guidelines (Richards et al. 2015 PMID: 25741868, with internal and published modifications).

NM_004820.5(CYP7B1):c.1323G>A (p.Pro441=)

Gene: CYP7B1 (cytochrome P450 family 7 subfamily B member 1; minus strand). Cytogenetic location: 8q12.3.
Variant type: single nucleotide variant.
Coding change: c.1323G>A on transcript NM_004820.5 (MANE Select); coding-DNA position 1323, G replaced by A.
Protein change: p.Pro441=; no amino-acid change (proline 441 retained).
Molecular consequence: synonymous variant. On other transcripts: intron variant (1).
Genome position (GRCh38, 1-based): chr8:64,596,840, C>T on the plus strand (G>A on the coding strand, the complement: CYP7B1 is on the minus strand). VCF-style: chr8-64596840-C-T. GRCh37 (hg19) VCF-style: chr8-65509397-C-T.
Other names: c.1234-6996G>A (NM_001324112.2); c.1323G>A (NM_004820.4).
Identifiers: ClinVar variation 363578 (VCV000363578.14), dbSNP rs201281307, ClinGen allele CA4763996.